The following is an entry in ClinVar:

NM_001040142.2(SCN2A):c.5435T>A (p.Phe1812Tyr)

Gene: SCN2A (sodium voltage-gated channel alpha subunit 2; plus strand). Cytogenetic location: 2q24.3.
Variant type: single nucleotide variant.
Coding change: c.5435T>A on transcript NM_001040142.2 (MANE Select); coding-DNA position 5435, T replaced by A.
Protein change: p.Phe1812Tyr; replaces phenylalanine 1812 with tyrosine.
Molecular consequence: missense variant.
Genome position (GRCh38, 1-based): chr2:165,389,241, T>A. VCF-style: chr2-165389241-T-A. GRCh37 (hg19) VCF-style: chr2-166245751-T-A.
Other names: c.5435T>A, p.Phe1812Tyr (NM_001040143.2, NM_001371246.1, NM_001371247.1 and 1 more transcripts); short protein forms F1812Y.
Identifiers: ClinVar variation 3031930 (VCV003031930.2), dbSNP rs2468159200, ClinGen allele CA349038978.

ClinVar aggregate classification (germline): Likely pathogenic (0 of 4 stars; one submission).

Conditions:
SCN2A-related disorder. Also called: SCN2A-related disorders; SCN2A-related condition. Identifiers: MedGen CN382226, MONDO:1060245.

Submission:

PreventionGenetics, part of Exact Sciences
Classification: Likely pathogenic for SCN2A-related condition. Last evaluated: 2024-08-22. Review status: no assertion criteria provided. Collection method: clinical testing. Allele origin: germline.
Comment: The SCN2A c.5435T>A variant is predicted to result in the amino acid substitution p.Phe1812Tyr. To our knowledge, this variant has not been reported in the literature or in a large population database, indicating this variant is rare. This variant is interpreted as likely pathogenic.